The following is an entry in ClinVar:

ClinVar aggregate classification (germline): Uncertain significance (1 of 4 stars; one submission).

Submission:

GeneDx
Classification: Uncertain significance. Last evaluated: 2017-09-28. Review status: criteria provided, single submitter. Criteria: GeneDx Variant Classification (06012015). Collection method: clinical testing. Allele origin: germline. Affected: yes.
Comment: The C439S variant in the PIGW gene has not been reported previously as a pathogenic variant, nor as a benign variant, to our knowledge. The C439S variant is not observed in large population cohorts (Lek et al., 2016). The C439S variant is a non-conservative amino acid substitution, which is likely to impact secondary protein structure as these residues differ in polarity, charge, size and/or other properties. This substitution occurs at a position that is conserved across species and in silico analysis predicts this variant is probably damaging to the protein structure/function. We interpret C439S as a variant of uncertain significance.

NM_001346754.2(PIGW):c.1316G>C (p.Cys439Ser)

Genes: MYO19 (myosin XIX; minus strand), PIGW (phosphatidylinositol glycan anchor biosynthesis class W; plus strand). Cytogenetic location: 17q12.
Variant type: single nucleotide variant.
Coding change: c.1316G>C on transcript NM_001346754.2 (MANE Select); coding-DNA position 1316, G replaced by C.
Protein change: p.Cys439Ser; replaces cysteine 439 with serine.
Molecular consequence: missense variant.
Genome position (GRCh38, 1-based): chr17:36,538,417, G>C. VCF-style: chr17-36538417-G-C. GRCh37 (hg19) VCF-style: chr17-34894266-G-C.
Other names: c.1316G>C, p.Cys439Ser (NM_001346755.2, NM_178517.5); short protein forms C439S.
Identifiers: ClinVar variation 452327 (VCV000452327.2), dbSNP rs1555600648, ClinGen allele CA399164715.